The following is an entry in ClinVar:

ClinVar aggregate classification (germline): Likely benign. Review status: criteria provided, multiple submitters, no conflicts (2 of 4 stars). 2 submissions from 2 submitters: Likely benign (2). Last evaluated 2022-12-04.

Allele frequency attached by ClinVar (database versions not stated): gnomAD exomes below 0.00001; gnomAD 0.00001; TOPMed 0.00001.
gnomAD v4.1: 7 of 1,600,682 alleles (0.00044%); highest among the groups gnomAD compares: Non-Finnish European, 0.0006%; no homozygotes.

Submissions (2):

Labcorp Genetics (formerly Invitae), Labcorp
Classification: Likely benign. Last evaluated: 2022-12-04. Review status: criteria provided, single submitter. Criteria: Invitae Variant Classification Sherloc (09022015). Collection method: clinical testing. Allele origin: germline.

CeGaT Center for Human Genetics Tuebingen
Classification: Likely benign. Last evaluated: 2022-08-01. Review status: criteria provided, single submitter. Criteria: CeGaT Center For Human Genetics Tuebingen Variant Classification Criteria Version 2. Collection method: clinical testing. Allele origin: germline. Affected: yes. Observed: 1 variant allele.
Comment: KMT2B: BP4, BP7

NM_014727.3(KMT2B):c.4434C>T (p.His1478=)

Gene: KMT2B (lysine methyltransferase 2B; plus strand). Cytogenetic location: 19q13.12.
Variant type: single nucleotide variant.
Coding change: c.4434C>T on transcript NM_014727.3 (MANE Select); coding-DNA position 4434, C replaced by T.
Protein change: p.His1478=; no amino-acid change (histidine 1478 retained).
Molecular consequence: synonymous variant.
Genome position (GRCh38, 1-based): chr19:35,727,922, C>T. VCF-style: chr19-35727922-C-T. GRCh37 (hg19) VCF-style: chr19-36218823-C-T.
Identifiers: ClinVar variation 1934205 (VCV001934205.29), dbSNP rs1171695506, ClinGen allele CA507307106.